The following is an entry in ClinVar:

NM_001844.5(COL2A1):c.147G>A (p.Pro49=)

Gene: COL2A1 (collagen type II alpha 1 chain; minus strand). Cytogenetic location: 12q13.11.
Variant type: single nucleotide variant.
Coding change: c.147G>A on transcript NM_001844.5 (MANE Select); coding-DNA position 147, G replaced by A.
Protein change: p.Pro49=; no amino-acid change (proline 49 retained).
Molecular consequence: synonymous variant. On other transcripts: intron variant (1).
Genome position (GRCh38, 1-based): chr12:48,000,064, C>T on the plus strand (G>A on the coding strand, the complement: COL2A1 is on the minus strand). VCF-style: chr12-48000064-C-T. GRCh37 (hg19) VCF-style: chr12-48393847-C-T.
Other names: c.86-1633G>A (NM_033150.3).
Identifiers: ClinVar variation 1137831 (VCV001137831.13), dbSNP rs372734539, ClinGen allele CA6536085.

ClinVar aggregate classification (germline): Benign/Likely benign. Review status: criteria provided, multiple submitters, no conflicts (2 of 4 stars). 4 submissions from 4 submitters: Benign (1); Likely benign (2). 1 of the submissions does not count toward it. Last evaluated 2025-10-18.

Conditions:
COL2A1-related disorder. Also called: COL2A1-related condition; COL2A1-related disorders.
Stickler syndrome type 1 (STL1). Also called: COL2A1-Related Stickler Syndrome; STICKLER SYNDROME, MEMBRANOUS VITREOUS TYPE; STICKLER SYNDROME, VITREOUS TYPE 1; ARTHROOPHTHALMOPATHY, HEREDITARY PROGRESSIVE. Identifiers: Orphanet 828, Orphanet 90653, MedGen C2020284, MONDO:0007160, OMIM 108300.

Allele frequency attached by ClinVar (database versions not stated): gnomAD exomes 0.00004 and 0.00012; TOPMed 0.00006; ESP Exome Variant Server 0.00008; ExAC 0.00011; 1000 Genomes Project 30x 0.00062; 1000 Genomes Project 0.00080.
gnomAD v4.1: 74 of 1,613,894 alleles (0.0046%); highest among the groups gnomAD compares: East Asian, 0.08%; no homozygotes.

Submissions (4):

Labcorp Genetics (formerly Invitae), Labcorp
Classification: Likely benign. Last evaluated: 2025-10-18. Review status: criteria provided, single submitter. Criteria: Invitae Variant Classification Sherloc (09022015). Collection method: clinical testing. Allele origin: germline.

Blueprint Genetics
Classification: Likely benign. Last evaluated: 2023-04-13. Review status: criteria provided, single submitter. Criteria: ACMG Guidelines, 2015. Collection method: clinical testing. Allele origin: germline.

Center of Medical Genetics, Central South University
Classification: Benign for Stickler syndrome type 1. Last evaluated: 2022-07-01. Review status: criteria provided, single submitter. Criteria: ACMG Guidelines, 2015. Collection method: research, in vitro. Allele origin: unknown, not applicable. Affected: yes. Observed: 2 variant alleles.

PreventionGenetics, part of Exact Sciences
Classification: Likely benign for COL2A1-related condition. Last evaluated: 2019-08-02. Review status: no assertion criteria provided. Collection method: clinical testing. Allele origin: germline. Not counted in ClinVar's aggregate classification.
Comment: This variant is classified as likely benign based on ACMG/AMP sequence variant interpretation guidelines (Richards et al. 2015 PMID: 25741868, with internal and published modifications).